The following is an entry in ClinVar:

ClinVar aggregate classification (germline): Uncertain significance (1 of 4 stars; one submission).

Conditions:
Joubert syndrome. Also called: CEREBELLOPARENCHYMAL DISORDER IV; JOUBERT-BOLTSHAUSER SYNDROME; Familial aplasia of the vermis. Identifiers: Orphanet 475, MedGen C5979921, MONDO:0018772.
Nephronophthisis. Also called: Juvenile Nephronophthisis. Identifiers: Orphanet 655, MedGen C0687120, MONDO:0019005, HP:0000090.
Meckel-Gruber syndrome. Also called: DYSENCEPHALIA SPLANCHNOCYSTICA; GRUBER SYNDROME; Dysencephalia splachnocystica. Identifiers: Orphanet 564, MedGen C0265215, MONDO:0018921.

Submission:

Labcorp Genetics (formerly Invitae), Labcorp
Classification: Uncertain significance for Joubert syndrome; Meckel-Gruber syndrome; Nephronophthisis. Last evaluated: 2021-04-02. Review status: criteria provided, single submitter. Criteria: Invitae Variant Classification Sherloc (09022015). Collection method: clinical testing. Allele origin: germline.
Comment: This variant disrupts a region of the protein in which other variant(s) (p.Val66Gly) have been observed in individuals with CEP290-related conditions (PMID: 31630094). This suggests that this may be a clinically significant region of the CEP290 protein. In summary, the available evidence is currently insufficient to determine the role of this variant in disease. Therefore, it has been classified as a Variant of Uncertain Significance. This variant has not been reported in the literature in individuals with CEP290-related conditions. This variant is a gross deletion of the genomic region encompassing exon(s) 4-5 of the CEP290 gene. This variant would be expected to be in-frame, preserving the integrity of the reading frame.

Literature cited by the submitters: PubMed 31630094.

NC_000012.11:g.(?_88532902)_(88533361_?)del

Gene: CEP290 (centrosomal protein 290; minus strand). Cytogenetic location: 12q21.32.
Variant type: Deletion.
Identifiers: ClinVar variation 1376503 (VCV001376503.4).